The following is an entry in ClinVar:

NM_024334.3(TMEM43):c.883-128A>G

Gene: TMEM43 (transmembrane protein 43; plus strand). Cytogenetic location: 3p25.1.
Variant type: single nucleotide variant.
Coding change: c.883-128A>G on transcript NM_024334.3 (MANE Select); 128 bases into the intron before coding-DNA position 883, A replaced by G.
Molecular consequence: intron variant.
Genome position (GRCh38, 1-based): chr3:14,139,052, A>G. VCF-style: chr3-14139052-A-G. GRCh37 (hg19) VCF-style: chr3-14180552-A-G.
Identifiers: ClinVar variation 672175 (VCV000672175.1), dbSNP rs2607767, ClinGen allele CA11352357.
Genomic context (GRCh38, chr3:14,139,052, plus strand): 5'-CCTTGCCCTGTGCTCTGCCAGATGGGCAGAAGGACTTAGCCCTATAGGAGGCTTGCCCCC[A>G]CTCCGTCTGGCCTGTTCAGAAATGGCCAACAGCTCCCGAGTTGGTACAGCCCCCTCAGGA-3'

ClinVar aggregate classification (germline): Benign (1 of 4 stars; one submission).

Allele frequency attached by ClinVar (database versions not stated): gnomAD exomes 0.63636; gnomAD 0.66681 and 0.66780; TOPMed 0.67026; 1000 Genomes Project 0.70727; 1000 Genomes Project 30x 0.71190.

Submission:

GeneDx
Classification: Benign. Last evaluated: 2018-06-15. Review status: criteria provided, single submitter. Criteria: GeneDx Variant Classification (06012015). Collection method: clinical testing. Allele origin: germline. Affected: yes.
Comment: This variant is considered likely benign or benign based on one or more of the following criteria: it is a conservative change, it occurs at a poorly conserved position in the protein, it is predicted to be benign by multiple in silico algorithms, and/or has population frequency not consistent with disease.